The following is an entry in ClinVar:

NM_003239.5(TGFB3):c.638del (p.Leu212_Leu213insTer)

Gene: TGFB3 (transforming growth factor beta 3; minus strand). Cytogenetic location: 14q24.3.
Variant type: Deletion.
Coding change: c.638del on transcript NM_003239.5 (MANE Select); coding-DNA position 638, one base deleted (T; older notation c.638delT).
Protein change: p.Leu212_Leu213insTer.
Molecular consequence: nonsense.
Genome position (GRCh38, 1-based): chr14:75,971,134, A deleted on the plus strand (T on the coding strand, the reverse complement: TGFB3 is on the minus strand); the first of 2 consecutive A bases (chr14:75,971,134-75,971,135); deleting either gives the same sequence. VCF-style (leftmost placement, unchanged base first): chr14-75971133-CA-C. GRCh37 (hg19) VCF-style: chr14-76437476-CA-C.
Other names: c.638del, p.Leu212_Leu213insTer (NM_001329938.2, NM_001329939.2).
Identifiers: ClinVar variation 2126250 (VCV002126250.4), dbSNP rs2504110410, ClinGen allele CA2580088861.

ClinVar aggregate classification (germline): Pathogenic (1 of 4 stars; one submission).

Conditions:
Rienhoff syndrome. Also called: LOEYS-DIETZ SYNDROME 5. Identifiers: MedGen C3810012, MONDO:0014262, OMIM 615582.

Submission:

Labcorp Genetics (formerly Invitae), Labcorp
Classification: Pathogenic for Rienhoff syndrome. Last evaluated: 2023-01-16. Review status: criteria provided, single submitter. Criteria: Invitae Variant Classification Sherloc (09022015). Collection method: clinical testing. Allele origin: germline.
Comment: This sequence change creates a premature translational stop signal (p.Leu213*) in the TGFB3 gene. It is expected to result in an absent or disrupted protein product. Loss-of-function variants in TGFB3 are known to be pathogenic (PMID: 25835445, 26188975). This variant is not present in population databases (gnomAD no frequency). This variant has not been reported in the literature in individuals affected with TGFB3-related conditions. For these reasons, this variant has been classified as Pathogenic.

Literature cited by the submitters: PubMed 25835445; PubMed 26188975.